The following is an entry in ClinVar:

ClinVar aggregate classification (germline): Conflicting classifications of pathogenicity. Review status: criteria provided, conflicting classifications (1 of 4 stars). 17 submissions from 16 submitters: Uncertain significance (6); Likely benign (8). 3 of the submissions do not count toward it. Last evaluated 2026-09-01.

Conditions:
SETX-related disorder. Also called: SETX-related condition; SETX-related disorders. Identifiers: MedGen CN239403.
Inborn genetic diseases. Identifiers: MedGen C0950123, MeSH D030342.
Spinocerebellar ataxia, autosomal recessive, with axonal neuropathy 2 (SCAN2). Also called: ATAXIA-OCULOMOTOR APRAXIA 2; Ataxia-ocular apraxia-2; Ataxia with Oculomotor Apraxia; Ataxia with Oculomotor Apraxia Type 2. Identifiers: Orphanet 64753, MedGen C1853761, MONDO:0018996, OMIM 606002.
Amyotrophic lateral sclerosis type 4 (ALS4). Also called: AMYOTROPHIC LATERAL SCLEROSIS 4, JUVENILE; NEURONOPATHY, DISTAL HEREDITARY MOTOR, WITH PYRAMIDAL FEATURES. Identifiers: Orphanet 357043, MedGen C1865409, MONDO:0011223, OMIM 602433.
Hereditary spastic paraplegia. Also called: Familial spastic paraparesis. Identifiers: Orphanet 685, MedGen C0037773, MONDO:0019064. Disease mechanism: loss of function.

Allele frequency attached by ClinVar (database versions not stated): 1000 Genomes Project 30x 0.00016; 1000 Genomes Project 0.00020; gnomAD 0.00058 and 0.00060; TOPMed 0.00060; ESP Exome Variant Server 0.00069; gnomAD exomes 0.00084 and 0.00103; ExAC 0.00098.
gnomAD v4.1: 1,594 of 1,610,188 alleles (0.099%); highest among the groups gnomAD compares: Middle Eastern, 0.15%; 1 homozygote.

Submissions (17):

CeGaT Center for Human Genetics Tuebingen
Classification: Likely benign. Last evaluated: 2026-09-01. Review status: criteria provided, single submitter. Criteria: CeGaT Center For Human Genetics Tuebingen Variant Classification Criteria Version 2. Collection method: clinical testing. Allele origin: germline. Affected: yes. Observed: 9 variant alleles.
Comment: SETX: BS1

Labcorp Genetics (formerly Invitae), Labcorp
Classification: Likely benign for Amyotrophic lateral sclerosis type 4; Spinocerebellar ataxia, autosomal recessive, with axonal neuropathy 2. Last evaluated: 2026-01-12. Review status: criteria provided, single submitter. Criteria: Invitae Variant Classification Sherloc (09022015). Collection method: clinical testing. Allele origin: germline.

ARUP Laboratories, Molecular Genetics and Genomics, ARUP Laboratories
Classification: Likely benign. Last evaluated: 2025-07-17. Review status: criteria provided, single submitter. Criteria: ARUP Molecular Germline Variant Investigation Process 2024. Collection method: clinical testing. Allele origin: germline.

Athena Diagnostics
Classification: Likely benign. Last evaluated: 2025-01-23. Review status: criteria provided, single submitter. Criteria: Athena Diagnostics Criteria. Collection method: clinical testing. Allele origin: unknown.
Comment: The frequency of this variant in the general population is higher than would generally be expected for pathogenic variants in this gene. Computational tools predict this amino acid change may be benign.

Blueprint Genetics
Classification: Uncertain significance. Last evaluated: 2024-11-27. Review status: criteria provided, single submitter. Criteria: ACMG Guidelines, 2015. Collection method: clinical testing. Allele origin: germline.

Mayo Clinic Laboratories, Mayo Clinic
Classification: Likely benign. Last evaluated: 2024-10-22. Review status: criteria provided, single submitter. Criteria: ACMG Guidelines, 2015. Collection method: clinical testing. Allele origin: germline. Observed: 4 variant alleles.
Comment: BS1

Women's Health and Genetics/Laboratory Corporation of America, LabCorp
Classification: Likely benign. Last evaluated: 2024-05-29. Review status: criteria provided, single submitter. Criteria: LabCorp Variant Classification Summary - May 2015. Collection method: clinical testing. Allele origin: germline.
Comment: Variant summary: SETX c.2479A>G (p.Lys827Glu) results in a conservative amino acid change in the encoded protein sequence. Four of five in-silico tools predict a benign effect of the variant on protein function. The variant allele was found at a frequency of 0.00084 in 246404 control chromosomes, predominantly at a frequency of 0.0014 within the South Asian subpopulation in the gnomAD database. The observed variant frequency within South Asian control individuals in the gnomAD database exceeds the estimated maximal expected allele frequency for a pathogenic variant in SETX causing Amyotrophic Lateral Sclerosis Type 4 phenotype. To our knowledge, no occurrence of c.2479A>G in individuals affected with Amyotrophic Lateral Sclerosis Type 4 and no experimental evidence demonstrating its impact on protein function have been reported. ClinVar contains an entry for this variant (Variation ID: 468494). Based on the evidence outlined above, the variant was classified as likely benign.

Ambry Genetics
Classification: Uncertain significance for Inborn genetic diseases. Last evaluated: 2022-01-06. Review status: criteria provided, single submitter. Criteria: Ambry Variant Classification Scheme 2023. Collection method: clinical testing. Allele origin: germline.
Comment: The p.K827E variant (also known as c.2479A>G), located in coding exon 8 of the SETX gene, results from an A to G substitution at nucleotide position 2479. The lysine at codon 827 is replaced by glutamic acid, an amino acid with similar properties. This amino acid position is well conserved in available vertebrate species. In addition, this alteration is predicted to be tolerated by in silico analysis. Based on the supporting evidence, this variant is unlikely to be causative of juvenile amyotrophic lateral sclerosis 4 (ALS4); however, its contribution to the development of spinocerebellar ataxia with axonal neuropathy 2 (SCAN2) is uncertain.

GeneDx
Classification: Likely benign. Last evaluated: 2021-05-13. Review status: criteria provided, single submitter. Criteria: GeneDx Variant Classification Process June 2021. Collection method: clinical testing. Allele origin: germline. Affected: yes.

Genome Diagnostics Laboratory, The Hospital for Sick Children
Classification: Uncertain significance for Hereditary spastic paraplegia. Last evaluated: 2020-05-01. Review status: criteria provided, single submitter. Criteria: ACMG Guidelines, 2015. Collection method: clinical testing. Allele origin: germline. Affected: yes.

Laboratorio de Genetica e Diagnostico Molecular, Hospital Israelita Albert Einstein
Classification: Likely benign. Last evaluated: 2020-02-10. Review status: criteria provided, single submitter. Criteria: ACMG Guidelines, 2015. Collection method: clinical testing. Allele origin: germline. Affected: yes.
Comment: ACMG classification criteria: BS1, BP4

Centre for Mendelian Genomics, University Medical Centre Ljubljana
Classification: Uncertain significance for Spinocerebellar ataxia, autosomal recessive, with axonal neuropathy 2. Last evaluated: 2018-10-11. Review status: criteria provided, single submitter. Criteria: ACMG Guidelines, 2015. Collection method: clinical testing. Allele origin: unknown. Affected: yes.
Comment: This variant was classified as: Uncertain significance. The available evidence on this variant's pathogenicity is insufficient or conflicting. The following ACMG criteria were applied in classifying this variant: BS1.

Illumina Laboratory Services, Illumina
Classification: Uncertain significance for Spinocerebellar ataxia, autosomal recessive, with axonal neuropathy 2. Last evaluated: 2017-04-27. Review status: criteria provided, single submitter. Criteria: ICSL Variant Classification Criteria 13 December 2019. Collection method: clinical testing. Allele origin: germline.

Illumina Laboratory Services, Illumina
Classification: Uncertain significance for Amyotrophic lateral sclerosis type 4. Last evaluated: 2017-04-27. Review status: criteria provided, single submitter. Criteria: ICSL Variant Classification Criteria 13 December 2019. Collection method: clinical testing. Allele origin: germline.

PreventionGenetics, part of Exact Sciences
Classification: Likely benign for SETX-related condition. Last evaluated: 2022-12-07. Review status: no assertion criteria provided. Collection method: clinical testing. Allele origin: germline. Not counted in ClinVar's aggregate classification.
Comment: This variant is classified as likely benign based on ACMG/AMP sequence variant interpretation guidelines (Richards et al. 2015 PMID: 25741868, with internal and published modifications).

Clinical Genetics DNA and cytogenetics Diagnostics Lab, Erasmus MC, Erasmus Medical Center
Classification: Likely benign. Review status: no assertion criteria provided. Collection method: clinical testing. Allele origin: germline. Affected: yes. Study: VKGL Data-share Consensus. Not counted in ClinVar's aggregate classification.

Genome Diagnostics Laboratory, Amsterdam University Medical Center
Classification: Likely benign. Review status: no assertion criteria provided. Collection method: clinical testing. Allele origin: germline. Affected: yes. Study: VKGL Data-share Consensus. Not counted in ClinVar's aggregate classification.

Literature cited by the submitters: PubMed 26257771 (cited by Athena Diagnostics); PubMed 28252636 (cited by Athena Diagnostics); PubMed 27957625 (cited by Athena Diagnostics); PubMed 31957062 (cited by Athena Diagnostics); PubMed 32028661 (cited by Athena Diagnostics).

NM_015046.7(SETX):c.2479A>G (p.Lys827Glu)

Gene: SETX (senataxin; minus strand). Cytogenetic location: 9q34.13.
Variant type: single nucleotide variant.
Coding change: c.2479A>G on transcript NM_015046.7 (MANE Select); coding-DNA position 2479, A replaced by G.
Protein change: p.Lys827Glu; replaces lysine 827 with glutamic acid.
Molecular consequence: missense variant.
Genome position (GRCh38, 1-based): chr9:132,329,119, T>C on the plus strand (A>G on the coding strand, the complement: SETX is on the minus strand). VCF-style: chr9-132329119-T-C. GRCh37 (hg19) VCF-style: chr9-135204506-T-C.
Other names: p.Lys827Glu; c.2479A>G, p.Lys827Glu (NM_001351527.2, NM_001351528.2); short protein forms K827E.
Identifiers: ClinVar variation 468494 (VCV000468494.81), dbSNP rs150532677, ClinGen allele CA5297587.